The following is an entry in ClinVar:

NM_003611.3(OFD1):c.2929-18C>T

Gene: OFD1 (OFD1 centriole and centriolar satellite protein; plus strand). Cytogenetic location: Xp22.2.
Variant type: single nucleotide variant.
Coding change: c.2929-18C>T on transcript NM_003611.3 (MANE Select); 18 bases into the intron before coding-DNA position 2929, C replaced by T.
Molecular consequence: intron variant.
Genome position (GRCh38, 1-based): chrX:13,768,700, C>T. VCF-style: chrX-13768700-C-T. GRCh37 (hg19) VCF-style: chrX-13786819-C-T.
Other names: c.2509-18C>T (NM_001330210.2); c.2809-18C>T (NM_001330209.2).
Identifiers: ClinVar variation 259098 (VCV000259098.21), dbSNP rs180940027, ClinGen allele CA10352112.
Genomic context (GRCh38, chrX:13,768,700, plus strand): 5'-CAAAAATGGTTCTTAAAGTATTTCATGAAATTAATGCATATCTAATTTCAAAATTTTCCA[C>T]CCTCTCCATGTAATCAGAGCTCAAAAAAGATGGTCCAAGAAGGCTCCCTAGTGGACACGC-3'

ClinVar aggregate classification (germline): Benign/Likely benign. Review status: criteria provided, multiple submitters, no conflicts (2 of 4 stars). 11 submissions from 11 submitters: Benign (5); Likely benign (2). 4 of the submissions do not count toward it. Last evaluated 2026-02-01.

Conditions:
Joubert syndrome. Also called: Familial aplasia of the vermis; JOUBERT-BOLTSHAUSER SYNDROME. Identifiers: Orphanet 475, MedGen C5979921, MONDO:0018772.
Orofaciodigital syndrome I (OFD1). Also called: Oral-Facial-Digital Syndrome Type I; Papillon-Leage and Psaume Syndrome; OFDS I. Identifiers: Orphanet 2750, MedGen C1510460, MONDO:0010702, OMIM 311200.
Retinitis pigmentosa 23 (RP23). Identifiers: Orphanet 791, MedGen C1419610, MONDO:0010320, OMIM 300424.
Simpson-Golabi-Behmel syndrome type 2. Identifiers: Orphanet 79022, MedGen C1846175, MONDO:0010265, OMIM 300209.
Joubert syndrome 10 (JBTS10). Identifiers: Orphanet 2754, MedGen C2749019, MONDO:0010431, OMIM 300804.

Allele frequency attached by ClinVar (database versions not stated): 1000 Genomes Project 0.00238; 1000 Genomes Project 30x 0.00250; TOPMed 0.00569; gnomAD 0.00599 and 0.00601; gnomAD exomes 0.00678 and 0.00908; ESP Exome Variant Server 0.00682; ExAC 0.00732.
gnomAD v4.1: 10,482 of 1,190,821 alleles (0.88%); highest among the groups gnomAD compares: Non-Finnish European, 1%; 45 homozygotes.

Submissions (11):

Labcorp Genetics (formerly Invitae), Labcorp
Classification: Benign for Orofaciodigital syndrome I; Joubert syndrome. Last evaluated: 2026-02-01. Review status: criteria provided, single submitter. Criteria: Invitae Variant Classification Sherloc (09022015). Collection method: clinical testing. Allele origin: germline.

Blueprint Genetics
Classification: Likely benign. Last evaluated: 2024-11-28. Review status: criteria provided, single submitter. Criteria: ACMG Guidelines, 2015. Collection method: clinical testing. Allele origin: germline.

Fulgent Genetics
Classification: Likely benign for Simpson-Golabi-Behmel syndrome type 2; Retinitis pigmentosa 23; Joubert syndrome 10; Orofaciodigital syndrome I. Last evaluated: 2021-07-23. Review status: criteria provided, single submitter. Criteria: ACMG Guidelines, 2015. Collection method: clinical testing. Allele origin: unknown.

Center for Pediatric Genomic Medicine, Children's Mercy Hospital and Clinics
Classification: Benign. Last evaluated: 2017-06-20. Review status: criteria provided, single submitter. Criteria: ACMG Guidelines, 2015. Collection method: clinical testing. Allele origin: germline.

GeneDx
Classification: Benign. Last evaluated: 2016-10-06. Review status: criteria provided, single submitter. Criteria: GeneDx Variant Classification (06012015). Collection method: clinical testing. Allele origin: germline. Affected: yes.
Comment: This variant is considered likely benign or benign based on one or more of the following criteria: it is a conservative change, it occurs at a poorly conserved position in the protein, it is predicted to be benign by multiple in silico algorithms, and/or has population frequency not consistent with disease.

Breakthrough Genomics
Classification: Benign. Review status: criteria provided, single submitter. Criteria: ACMG Guidelines, 2015. Collection method: not provided. Allele origin: germline. Inheritance: X-linked inheritance. Affected: yes.

PreventionGenetics, part of Exact Sciences
Classification: Benign. Review status: criteria provided, single submitter. Criteria: ACMG Guidelines, 2015. Collection method: clinical testing. Allele origin: germline.

Clinical Genetics DNA and cytogenetics Diagnostics Lab, Erasmus MC, Erasmus Medical Center
Classification: Benign. Review status: no assertion criteria provided. Collection method: clinical testing. Allele origin: germline. Affected: yes. Study: VKGL Data-share Consensus. Not counted in ClinVar's aggregate classification.

Clinical Genetics, Academic Medical Center
Classification: Benign. Review status: no assertion criteria provided. Collection method: clinical testing. Allele origin: germline. Affected: yes. Study: VKGL Data-share Consensus. Not counted in ClinVar's aggregate classification.

Diagnostic Laboratory, Department of Genetics, University Medical Center Groningen
Classification: Benign. Review status: no assertion criteria provided. Collection method: clinical testing. Allele origin: germline. Affected: yes. Study: VKGL Data-share Consensus. Not counted in ClinVar's aggregate classification.

Genome Diagnostics Laboratory, University Medical Center Utrecht
Classification: Benign. Review status: no assertion criteria provided. Collection method: clinical testing. Allele origin: germline. Affected: yes. Study: VKGL Data-share Consensus. Not counted in ClinVar's aggregate classification.